The following is an entry in ClinVar:

NM_001039396.2(MPEG1):c.945C>T (p.Asn315=)

Gene: MPEG1 (macrophage expressed 1; minus strand). Cytogenetic location: 11q12.1.
Variant type: single nucleotide variant.
Coding change: c.945C>T on transcript NM_001039396.2 (MANE Select); coding-DNA position 945, C replaced by T.
Protein change: p.Asn315=; no amino-acid change (asparagine 315 retained).
Molecular consequence: synonymous variant.
Genome position (GRCh38, 1-based): chr11:59,211,921, G>A on the plus strand (C>T on the coding strand, the complement: MPEG1 is on the minus strand). VCF-style: chr11-59211921-G-A. GRCh37 (hg19) VCF-style: chr11-58979394-G-A.
Identifiers: ClinVar variation 4056624 (VCV004056624.1).

ClinVar aggregate classification (germline): Uncertain significance (1 of 4 stars; one submission).

Conditions:
Immunodeficiency 77. Identifiers: MedGen C5543173, MONDO:0030973, OMIM 619223.

Submission:

Laboratorio de Genetica e Diagnostico Molecular, Hospital Israelita Albert Einstein
Classification: Uncertain significance for Immunodeficiency 77. Last evaluated: 2023-06-30. Review status: criteria provided, single submitter. Criteria: ACMG Guidelines, 2015. Collection method: clinical testing. Allele origin: germline. Affected: yes.
Comment: ACMG classification criteria: PM2 moderate